The following is an entry in ClinVar:

ClinVar aggregate classification (germline): Uncertain significance (1 of 4 stars; one submission).

Conditions:
Pyogenic arthritis-pyoderma gangrenosum-acne syndrome (PAPA). Also called: FAMILIAL RECURRENT ARTHRITIS; PAPA SYNDROME. Identifiers: Orphanet 69126, MedGen C1858361, MONDO:0011462, OMIM 604416.

Submission:

Labcorp Genetics (formerly Invitae), Labcorp
Classification: Uncertain significance for Pyogenic arthritis-pyoderma gangrenosum-acne syndrome. Last evaluated: 2023-11-06. Review status: criteria provided, single submitter. Criteria: Invitae Variant Classification Sherloc (09022015). Collection method: clinical testing. Allele origin: germline.
Comment: This sequence change replaces glutamic acid, which is acidic and polar, with valine, which is neutral and non-polar, at codon 332 of the PSTPIP1 protein (p.Glu332Val). This variant is not present in population databases (gnomAD no frequency). This variant has not been reported in the literature in individuals affected with PSTPIP1-related conditions. An algorithm developed to predict the effect of missense changes on protein structure and function (PolyPhen-2) suggests that this variant is likely to be tolerated. In summary, the available evidence is currently insufficient to determine the role of this variant in disease. Therefore, it has been classified as a Variant of Uncertain Significance.

NM_003978.5(PSTPIP1):c.995A>T (p.Glu332Val)

Gene: PSTPIP1 (proline-serine-threonine phosphatase interacting protein 1; plus strand). Cytogenetic location: 15q24.3.
Variant type: single nucleotide variant.
Coding change: c.995A>T on transcript NM_003978.5 (MANE Select); coding-DNA position 995, A replaced by T.
Protein change: p.Glu332Val; replaces glutamic acid 332 with valine.
Molecular consequence: missense variant. On other transcripts: non-coding transcript variant (1).
Genome position (GRCh38, 1-based): chr15:77,035,811, A>T. VCF-style: chr15-77035811-A-T. GRCh37 (hg19) VCF-style: chr15-77328152-A-T.
Other names: c.938A>T, p.Glu313Val (NM_001321135.2); c.968A>T, p.Glu323Val (NM_001321136.2); c.1190A>T, p.Glu397Val (NM_001321137.1); c.986A>T, p.Glu329Val (NM_001411086.1); short protein forms E397V, E313V, E329V, E332V, E323V.
Identifiers: ClinVar variation 2770812 (VCV002770812.3), dbSNP rs1336693892, ClinGen allele CA393521661.